The following is an entry in ClinVar:

ClinVar aggregate classification (germline): Pathogenic (1 of 4 stars; one submission).

Submission:

ISCA site 4
Classification: Pathogenic. Last evaluated: 2011-08-12. Review status: criteria provided, single submitter. Criteria: Kaminsky et al. (Genet Med. 2011). Collection method: clinical testing. Allele origin: unknown. Affected: yes. Observed: 1 variant allele.
Comment: Copy number variation identified through the course of routine clinical cytogenomic testing in postnatal populations. Clinical assertions have been curated as described in Kaminsky et al. 2011.

GRCh38/hg38 20q13.33(chr20:63199020-64277321)x3

Genes: ABHD16B (abhydrolase domain containing 16B; plus strand), ARFGAP1 (ADP ribosylation factor GTPase activating protein 1; plus strand), ARFRP1 (ADP ribosylation factor related protein 1; minus strand), BIRC7 (baculoviral IAP repeat containing 7; plus strand), C20orf181 (chromosome 20 putative open reading frame 181; minus strand) and 174 more. Cytogenetic location: 20q13.33.
Variant type: copy number gain.
Change: copy number 3 (three copies instead of two) of chr20:63,199,020-64,277,321 (1.08 Mb, GRCh38 coordinates, 1-based), cytogenetic band 20q13.33.
Identifiers: ClinVar variation 160985 (VCV000160985.1).